The following is an entry in ClinVar:

ClinVar aggregate classification (germline): Uncertain significance (0 of 4 stars; one submission).

Conditions:
SEMA3D-related disorder. Also called: SEMA3D-related condition.

gnomAD v4.1: 13 of 1,611,310 alleles (0.00081%); highest among the groups gnomAD compares: African/African-American, 0.0053%; no homozygotes.

Submission:

PreventionGenetics, part of Exact Sciences
Classification: Uncertain significance for SEMA3D-related condition. Last evaluated: 2024-01-30. Review status: no assertion criteria provided. Collection method: clinical testing. Allele origin: germline.
Comment: The SEMA3D c.1682G>A variant is predicted to result in the amino acid substitution p.Arg561Gln. To our knowledge, this variant has not been reported in the literature. This variant is reported in 0.0065% of alleles in individuals of South Asian descent in gnomAD. At this time, the clinical significance of this variant is uncertain due to the absence of conclusive functional and genetic evidence.

NM_001384900.1(SEMA3D):c.1682G>A (p.Arg561Gln)

Gene: SEMA3D (semaphorin 3D; minus strand). Cytogenetic location: 7q21.11.
Variant type: single nucleotide variant.
Coding change: c.1682G>A on transcript NM_001384900.1 (MANE Select); coding-DNA position 1682, G replaced by A.
Protein change: p.Arg561Gln; replaces arginine 561 with glutamine.
Molecular consequence: missense variant.
Genome position (GRCh38, 1-based): chr7:85,015,080, C>T on the plus strand (G>A on the coding strand, the complement: SEMA3D is on the minus strand). VCF-style: chr7-85015080-C-T. GRCh37 (hg19) VCF-style: chr7-84644396-C-T.
Other names: c.1682G>A, p.Arg561Gln (NM_001384901.1, NM_001384902.1, NM_001384903.1 and 1 more transcripts); short protein forms R561Q.
Identifiers: ClinVar variation 3351438 (VCV003351438.1).